The following is an entry in ClinVar:

NM_006129.5(BMP1):c.296G>A (p.Ser99Asn)

Gene: BMP1 (bone morphogenetic protein 1; plus strand). Cytogenetic location: 8p21.3.
Variant type: single nucleotide variant.
Coding change: c.296G>A on transcript NM_006129.5 (MANE Select); coding-DNA position 296, G replaced by A.
Protein change: p.Ser99Asn; replaces serine 99 with asparagine.
Molecular consequence: missense variant. On other transcripts: non-coding transcript variant (2).
Genome position (GRCh38, 1-based): chr8:22,176,176, G>A. VCF-style: chr8-22176176-G-A. GRCh37 (hg19) VCF-style: chr8-22033689-G-A.
Other names: c.296G>A, p.Ser99Asn (NM_001199.4); short protein forms S99N.
Identifiers: ClinVar variation 1502963 (VCV001502963.6), dbSNP rs1438817196, ClinGen allele CA370541186.

ClinVar aggregate classification (germline): Uncertain significance (1 of 4 stars; one submission).

Allele frequency attached by ClinVar (database versions not stated): gnomAD exomes below 0.00001 and 0.00002.
gnomAD v4.1: 31 of 1,614,092 alleles (0.0019%); highest among the groups gnomAD compares: Non-Finnish European, 0.0026%; no homozygotes.

Submission:

Labcorp Genetics (formerly Invitae), Labcorp
Classification: Uncertain significance. Last evaluated: 2025-03-05. Review status: criteria provided, single submitter. Criteria: Invitae Variant Classification Sherloc (09022015). Collection method: clinical testing. Allele origin: germline.
Comment: This sequence change replaces serine, which is neutral and polar, with asparagine, which is neutral and polar, at codon 99 of the BMP1 protein (p.Ser99Asn). This variant is present in population databases (no rsID available, gnomAD 0.0009%). This variant has not been reported in the literature in individuals affected with BMP1-related conditions. ClinVar contains an entry for this variant (Variation ID: 1502963). An algorithm developed to predict the effect of missense changes on protein structure and function outputs the following: PolyPhen-2: "Benign". The asparagine amino acid residue is found in multiple mammalian species, which suggests that this missense change does not adversely affect protein function. In summary, the available evidence is currently insufficient to determine the role of this variant in disease. Therefore, it has been classified as a Variant of Uncertain Significance.